The following is an entry in ClinVar:

ClinVar aggregate classification (germline): Likely pathogenic (1 of 4 stars; one submission).

Conditions:
Granulomatous disease, chronic, X-linked. Also called: GRANULOMATOUS DISEASE, CHRONIC, X-LINKED, SOMATIC MOSAIC; CYTOCHROME b-NEGATIVE GRANULOMATOUS DISEASE, CHRONIC, X-LINKED. Identifiers: Orphanet 379, MedGen C1844376, MONDO:0010600, OMIM 306400.

Allele frequency attached by ClinVar (database versions not stated): TOPMed below 0.00001; gnomAD 0.00001.
gnomAD v4.1: 1 of 1,209,170 alleles (0.000083%); highest among the groups gnomAD compares: Non-Finnish European, 0.00011%; no homozygotes.

Submission:

Labcorp Genetics (formerly Invitae), Labcorp
Classification: Likely pathogenic for Granulomatous disease, chronic, X-linked. Last evaluated: 2019-10-23. Review status: criteria provided, single submitter. Criteria: Invitae Variant Classification Sherloc (09022015). Collection method: clinical testing. Allele origin: germline.
Comment: This sequence change replaces proline with arginine at codon 415 of the CYBB protein (p.Pro415Arg). The proline residue is highly conserved and there is a moderate physicochemical difference between proline and arginine. This variant is not present in population databases (ExAC no frequency). This variant has been observed in individual(s) with clinical features of chronic granulomatous disease (PMID: 11162142, Invitae). Algorithms developed to predict the effect of missense changes on protein structure and function (SIFT, PolyPhen-2, Align-GVGD) all suggest that this variant is likely to be disruptive, but these predictions have not been confirmed by published functional studies and their clinical significance is uncertain. In summary, the currently available evidence indicates that the variant is pathogenic, but additional data are needed to prove that conclusively. Therefore, this variant has been classified as Likely Pathogenic. This variant disrupts the p.Pro415 amino acid residue in CYBB. Other variant(s) that disrupt this residue have been determined to be pathogenic (PMID: 2556453, 9585602, 20724480, 11162142). This suggests that this residue is clinically significant, and that variants that disrupt this residue are likely to be disease-causing.

Literature cited by the submitters: PubMed 11162142; PubMed 2556453; PubMed 9585602; PubMed 20724480.

NM_000397.4(CYBB):c.1244C>G (p.Pro415Arg)

Gene: CYBB (cytochrome b-245 beta chain; plus strand). Cytogenetic location: Xp11.4.
Variant type: single nucleotide variant.
Coding change: c.1244C>G on transcript NM_000397.4 (MANE Select); coding-DNA position 1244, C replaced by G.
Protein change: p.Pro415Arg; replaces proline 415 with arginine.
Molecular consequence: missense variant.
Genome position (GRCh38, 1-based): chrX:37,805,098, C>G. VCF-style: chrX-37805098-C-G. GRCh37 (hg19) VCF-style: chrX-37664351-C-G.
Other names: short protein forms P415R.
Identifiers: ClinVar variation 955588 (VCV000955588.10), dbSNP rs137854585, ClinGen allele CA412977804.
Genomic context (GRCh38, chrX:37,805,098, plus strand): 5'-GTGAAGATGTGTTCAGCTATGAGGTGGTGATGTTAGTGGGAGCAGGGATTGGGGTCACAC[C>G]CTTCGCATCCATTCTCAAGTCAGTCTGGTACAAATATTGCAATAACGCCACCAATCTGAA-3'
Protein context (NP_000388.2, residues 405-425): MLVGAGIGVT[Pro415Arg]FASILKSVWY